The following is an entry in ClinVar:

ClinVar aggregate classification (germline): Uncertain significance (1 of 4 stars; one submission).

Conditions:
Hereditary hyperekplexia. Identifiers: Orphanet 3197, MedGen C4084968, MONDO:0021022.

Submission:

Labcorp Genetics (formerly Invitae), Labcorp
Classification: Uncertain significance for Hereditary hyperekplexia. Last evaluated: 2025-01-05. Review status: criteria provided, single submitter. Criteria: Invitae Variant Classification Sherloc (09022015). Collection method: clinical testing. Allele origin: germline.
Comment: This sequence change replaces tyrosine, which is neutral and polar, with histidine, which is basic and polar, at codon 434 of the GLRA1 protein (p.Tyr434His). This variant is not present in population databases (gnomAD no frequency). This variant has not been reported in the literature in individuals affected with GLRA1-related conditions. Invitae Evidence Modeling of protein sequence and biophysical properties (such as structural, functional, and spatial information, amino acid conservation, physicochemical variation, residue mobility, and thermodynamic stability) indicates that this missense variant is expected to disrupt GLRA1 protein function with a positive predictive value of 95%. In summary, the available evidence is currently insufficient to determine the role of this variant in disease. Therefore, it has been classified as a Variant of Uncertain Significance.

NM_000171.4(GLRA1):c.1300T>C (p.Tyr434His)

Gene: GLRA1 (glycine receptor alpha 1; minus strand). Cytogenetic location: 5q33.1.
Variant type: single nucleotide variant.
Coding change: c.1300T>C on transcript NM_000171.4 (MANE Select); coding-DNA position 1300, T replaced by C.
Protein change: p.Tyr434His; replaces tyrosine 434 with histidine.
Molecular consequence: missense variant.
Genome position (GRCh38, 1-based): chr5:151,822,723, A>G on the plus strand (T>C on the coding strand, the complement: GLRA1 is on the minus strand). VCF-style: chr5-151822723-A-G. GRCh37 (hg19) VCF-style: chr5-151202284-A-G.
Other names: c.1324T>C, p.Tyr442His (NM_001146040.2); c.1051T>C, p.Tyr351His (NM_001292000.2); short protein forms Y351H, Y434H, Y442H.
Identifiers: ClinVar variation 3635558 (VCV003635558.2).